The following is an entry in ClinVar:

ClinVar aggregate classification (germline): Uncertain significance (1 of 4 stars; one submission).

gnomAD v4.1: 3 of 1,613,960 alleles (0.00019%); highest among the groups gnomAD compares: Middle Eastern, 0.017%; no homozygotes.

Submission:

GeneDx
Classification: Uncertain significance. Last evaluated: 2023-11-21. Review status: criteria provided, single submitter. Criteria: GeneDx Variant Classification Process June 2021. Collection method: clinical testing. Allele origin: germline. Affected: yes.
Comment: Not observed at significant frequency in large population cohorts (gnomAD); In silico analysis supports that this missense variant does not alter protein structure/function; Has not been previously published as pathogenic or benign to our knowledge

NM_021942.6(TRAPPC11):c.1792A>G (p.Ser598Gly)

Gene: TRAPPC11 (trafficking protein particle complex subunit 11; plus strand). Cytogenetic location: 4q35.1.
Variant type: single nucleotide variant.
Coding change: c.1792A>G on transcript NM_021942.6 (MANE Select); coding-DNA position 1792, A replaced by G.
Protein change: p.Ser598Gly; replaces serine 598 with glycine.
Molecular consequence: missense variant.
Genome position (GRCh38, 1-based): chr4:183,686,647, A>G. VCF-style: chr4-183686647-A-G. GRCh37 (hg19) VCF-style: chr4-184607800-A-G.
Other names: c.1792A>G, p.Ser598Gly (NM_199053.3); short protein forms S598G.
Identifiers: ClinVar variation 3364628 (VCV003364628.1).